The following is an entry in ClinVar:

ClinVar aggregate classification (germline): Pathogenic. Review status: criteria provided, multiple submitters, no conflicts (2 of 4 stars). 2 submissions from 2 submitters: Pathogenic (2). Last evaluated 2024-05-29.

Conditions:
Familial cancer of breast. Also called: Hereditary breast cancer; BREAST CANCER, FAMILIAL; hereditary breast carcinoma. Identifiers: Orphanet 227535, MedGen C0346153, MONDO:0016419, OMIM 114480. Disease mechanism: loss of function.

Submissions (2):

Labcorp Genetics (formerly Invitae), Labcorp
Classification: Pathogenic for Familial cancer of breast. Last evaluated: 2024-05-29. Review status: criteria provided, single submitter. Criteria: Invitae Variant Classification Sherloc (09022015). Collection method: clinical testing. Allele origin: germline.
Comment: This sequence change creates a premature translational stop signal (p.Phe404Metfs*15) in the PALB2 gene. It is expected to result in an absent or disrupted protein product. Loss-of-function variants in PALB2 are known to be pathogenic (PMID: 17200668, 17200671, 17200672, 24136930, 25099575). This variant is not present in population databases (gnomAD no frequency). This variant has not been reported in the literature in individuals affected with PALB2-related conditions. For these reasons, this variant has been classified as Pathogenic.

Myriad Genetics, Inc.
Classification: Pathogenic for Familial cancer of breast. Last evaluated: 2023-11-29. Review status: criteria provided, single submitter. Criteria: Myriad Autosomal Dominant, Autosomal Recessive and X-Linked Classification Criteria (2023). Collection method: clinical testing. Allele origin: unknown.
Comment: This variant is considered pathogenic. This variant creates a frameshift predicted to result in premature protein truncation.

Literature cited by the submitters: PubMed 17200668 (cited by Labcorp Genetics (formerly Invitae), Labcorp); PubMed 17200671 (cited by Labcorp Genetics (formerly Invitae), Labcorp); PubMed 17200672 (cited by Labcorp Genetics (formerly Invitae), Labcorp); PubMed 24136930 (cited by Labcorp Genetics (formerly Invitae), Labcorp); PubMed 25099575 (cited by Labcorp Genetics (formerly Invitae), Labcorp).

NM_024675.4(PALB2):c.1209_1224del (p.Phe404fs)

Gene: PALB2 (partner and localizer of BRCA2; minus strand). Cytogenetic location: 16p12.2.
Variant type: Deletion.
Coding change: c.1209_1224del on transcript NM_024675.4 (MANE Select); coding-DNA positions 1209 to 1224, 16 bases deleted (GTTTCCTGCAGAATAT).
Protein change: p.Phe404fs; shifts the reading frame from phenylalanine 404.
Molecular consequence: frameshift variant. On other transcripts: intron variant (3).
Genome position (GRCh38, 1-based): chr16:23,635,322-23,635,337, ATATTCTGCAGGAAAC deleted on the plus strand (GTTTCCTGCAGAATAT on the coding strand, the reverse complement: PALB2 is on the minus strand); deleting any 16 consecutive bases within chr16:23,635,322-23,635,338 gives the same sequence; the c. name uses the placement nearest the transcript's 3' end. VCF-style (leftmost placement, unchanged base first): chr16-23635321-AATATTCTGCAGGAAAC-A. GRCh37 (hg19) VCF-style: chr16-23646642-AATATTCTGCAGGAAAC-A.
Other names: c.1149_1164del, p.Phe384fs (NM_001407296.1); c.1209_1224del, p.Phe404fs (NM_001407297.1, NM_001407298.1, NM_001407299.1 and 3 more transcripts); c.324_339del, p.Phe109fs (NM_001407304.1, NM_001407305.1, NM_001407306.1 and 5 more transcripts); c.48+5773_48+5788del (NM_001407314.1); c.-104-4868_-104-4853del (NM_001407313.1, NM_001407312.1); short protein forms F109fs, F384fs, F404fs.
Identifiers: ClinVar variation 2674017 (VCV002674017.4), dbSNP rs2506484710, ClinGen allele CA2695197495.
Genomic context (GRCh38, chr16:23,635,321, plus strand): 5'-TGACAGCCTCCACGGCTACTTTCCTCTGGCAATTGGACATGCTTCGTGTTGTTCTAACAT[AATATTCTGCAGGAAAC>A]AGAAGGCCTTCAGGCACTGTGCAAGAATGTTTTTCTGCAGAAAGAGGAGAGGTTGCTTCC-3'